The following is an entry in ClinVar:

NM_001244710.2(GFPT1):c.116G>A (p.Gly39Asp)

Gene: GFPT1 (glutamine--fructose-6-phosphate transaminase 1; minus strand). Cytogenetic location: 2p13.3.
Variant type: single nucleotide variant.
Coding change: c.116G>A on transcript NM_001244710.2 (MANE Select); coding-DNA position 116, G replaced by A.
Protein change: p.Gly39Asp; replaces glycine 39 with aspartic acid.
Molecular consequence: missense variant.
Genome position (GRCh38, 1-based): chr2:69,370,108, C>T on the plus strand (G>A on the coding strand, the complement: GFPT1 is on the minus strand). VCF-style: chr2-69370108-C-T. GRCh37 (hg19) VCF-style: chr2-69597240-C-T.
Other names: c.116G>A, p.Gly39Asp (NM_002056.4); short protein forms G39D.
Identifiers: ClinVar variation 3620810 (VCV003620810.2).
Genomic context (GRCh38, chr2:69,370,108, plus strand): 5'-AGCTGGATTTTGCAGGCATTGGCTTCCCAATCTTTATCATTGCCTCCATCAAATCCCACA[C>T]CTAAACCATCATGAGGTAAAAAAGCAAAATTTAGAAACTGGCTACTGATAAAATTATTAA-3'
Protein context (NP_001231639.1, residues 29-49): RLEYRGYDSA[Gly39Asp]VGFDGGNDKD

ClinVar aggregate classification (germline): Uncertain significance (1 of 4 stars; one submission).

Conditions:
Congenital myasthenic syndrome 12 (CMS12). Also called: MYASTHENIC SYNDROME, CONGENITAL, WITH TUBULAR AGGREGATES 1; Myasthenia, congenital, 12, with tubular aggregates. Identifiers: Orphanet 353327, Orphanet 590, MedGen C3552335, MONDO:0012518, OMIM 610542.

gnomAD v4.1: 4 of 1,589,116 alleles (0.00025%); highest among the groups gnomAD compares: Admixed American, 0.0017%; no homozygotes.

Submission:

Labcorp Genetics (formerly Invitae), Labcorp
Classification: Uncertain significance for Congenital myasthenic syndrome 12. Last evaluated: 2024-06-25. Review status: criteria provided, single submitter. Criteria: Invitae Variant Classification Sherloc (09022015). Collection method: clinical testing. Allele origin: germline.
Comment: This sequence change replaces glycine, which is neutral and non-polar, with aspartic acid, which is acidic and polar, at codon 39 of the GFPT1 protein (p.Gly39Asp). This variant is present in population databases (rs774275311, gnomAD 0.003%). This variant has not been reported in the literature in individuals affected with GFPT1-related conditions. An algorithm developed to predict the effect of missense changes on protein structure and function (PolyPhen-2) suggests that this variant is likely to be disruptive. In summary, the available evidence is currently insufficient to determine the role of this variant in disease. Therefore, it has been classified as a Variant of Uncertain Significance.